The following is an entry in ClinVar:

NM_000059.4(BRCA2):c.2489dup (p.Asn830fs)

Gene: BRCA2 (BRCA2 DNA repair associated; plus strand). Cytogenetic location: 13q13.1.
Variant type: Duplication.
Coding change: c.2489dup on transcript NM_000059.4 (MANE Select); coding-DNA position 2489, one base duplicated (A; older notation c.2489dupA).
Protein change: p.Asn830fs; shifts the reading frame from asparagine 830.
Molecular consequence: frameshift variant.
Genome position (GRCh38, 1-based): chr13:32,336,844, A duplicated; the last of 5 consecutive A bases (chr13:32,336,840-32,336,844); duplicating any one gives the same sequence. VCF-style (leftmost placement, unchanged base first): chr13-32336839-T-TA. GRCh37 (hg19) VCF-style: chr13-32910976-T-TA.
Other names: short protein forms N830fs.
Identifiers: ClinVar variation 949991 (VCV000949991.9), dbSNP rs2072458625, ClinGen allele CA1139663114.
Genomic context (GRCh38, chr13:32,336,839, plus strand): 5'-ATTAACCAAAAATATTCCCATGGAAAAGAATCAAGATGTATGTGCTTTAAATGAAAATTA[T>TA]AAAAACGTTGAGCTGTTGCCACCTGAAAAATACATGAGAGTAGCATCACCTTCAAGAAAG-3'

ClinVar aggregate classification (germline): Pathogenic. Review status: criteria provided, multiple submitters, no conflicts (2 of 4 stars). 2 submissions from 2 submitters: Pathogenic (2). Last evaluated 2025-10-10.

Conditions:
Hereditary breast ovarian cancer syndrome. Also called: Hereditary breast and ovarian cancer syndrome (HBOC); Hereditary breast and/or ovarian cancer syndrome; Hereditary breast and ovarian cancer; Hereditary breast and ovarian cancer syndrome; BRCA1- and BRCA2-Associated Hereditary Breast and Ovarian Cancer; Breast and ovarian cancer. Identifiers: Orphanet 145, MedGen C0677776, MeSH D061325, MONDO:0003582. Disease mechanism: loss of function.
Breast-ovarian cancer, familial, susceptibility to, 2 (BROVCA2). Also called: BRCA2 Hereditary Breast and Ovarian Cancer. Identifiers: Orphanet 145, MedGen C2675520, MONDO:0012933, OMIM 612555. Disease mechanism: loss of function.

Submissions (2):

Myriad Genetics, Inc.
Classification: Pathogenic for Breast-ovarian cancer, familial, susceptibility to, 2. Last evaluated: 2025-10-10. Review status: criteria provided, single submitter. Criteria: Myriad Autosomal Dominant, Autosomal Recessive and X-Linked Classification Criteria (2023). Collection method: clinical testing. Allele origin: unknown.
Comment: This variant is considered pathogenic. This variant creates a frameshift predicted to result in premature protein truncation.

Labcorp Genetics (formerly Invitae), Labcorp
Classification: Pathogenic for Hereditary breast ovarian cancer syndrome. Last evaluated: 2019-07-06. Review status: criteria provided, single submitter. Criteria: Invitae Variant Classification Sherloc (09022015). Collection method: clinical testing. Allele origin: germline.
Comment: This variant is not present in population databases (ExAC no frequency). For these reasons, this variant has been classified as Pathogenic. Loss-of-function variants in BRCA2 are known to be pathogenic (PMID: 20104584). This variant has not been reported in the literature in individuals with BRCA2-related conditions. This sequence change creates a premature translational stop signal (p.Asn830Lysfs*3) in the BRCA2 gene. It is expected to result in an absent or disrupted protein product.

Literature cited by the submitters: PubMed 20104584 (cited by Labcorp Genetics (formerly Invitae), Labcorp).